The following is an entry in ClinVar:

NM_001164508.2(NEB):c.446A>G (p.His149Arg)

Gene: NEB (nebulin; minus strand). Cytogenetic location: 2q23.3.
Variant type: single nucleotide variant.
Coding change: c.446A>G on transcript NM_001164508.2 (MANE Select); coding-DNA position 446, A replaced by G.
Protein change: p.His149Arg; replaces histidine 149 with arginine.
Molecular consequence: missense variant.
Genome position (GRCh38, 1-based): chr2:151,724,918, T>C on the plus strand (A>G on the coding strand, the complement: NEB is on the minus strand). VCF-style: chr2-151724918-T-C. GRCh37 (hg19) VCF-style: chr2-152581432-T-C.
Other names: c.446A>G, p.His149Arg (NM_001164507.2, NM_001271208.2, NM_004543.5); c.446A>G (NM_004543.4); short protein forms H149R.
Identifiers: ClinVar variation 1524161 (VCV001524161.9), dbSNP rs2150762228, ClinGen allele CA348792780.

ClinVar aggregate classification (germline): Uncertain significance. Review status: criteria provided, multiple submitters, no conflicts (2 of 4 stars). 2 submissions from 2 submitters: Uncertain significance (2). Last evaluated 2025-08-13.

Conditions:
Inborn genetic diseases. Identifiers: MedGen C0950123, MeSH D030342.
Nemaline myopathy 2 (NEM2). Also called: Nemaline myopathy 2, autosomal recessive. Identifiers: MedGen C1850569, MONDO:0009725, OMIM 256030.

Submissions (2):

Ambry Genetics
Classification: Uncertain significance for Inborn genetic diseases. Last evaluated: 2025-08-13. Review status: criteria provided, single submitter. Criteria: Ambry Variant Classification Scheme 2023. Collection method: clinical testing. Allele origin: germline.

Labcorp Genetics (formerly Invitae), Labcorp
Classification: Uncertain significance for Nemaline myopathy 2. Last evaluated: 2022-08-31. Review status: criteria provided, single submitter. Criteria: Invitae Variant Classification Sherloc (09022015). Collection method: clinical testing. Allele origin: germline.
Comment: ClinVar contains an entry for this variant (Variation ID: 1524161). This variant has not been reported in the literature in individuals affected with NEB-related conditions. This variant is not present in population databases (gnomAD no frequency). In summary, the available evidence is currently insufficient to determine the role of this variant in disease. Therefore, it has been classified as a Variant of Uncertain Significance. Algorithms developed to predict the effect of missense changes on protein structure and function are either unavailable or do not agree on the potential impact of this missense change (SIFT: "Deleterious"; PolyPhen-2: "Not Available"; Align-GVGD: "Class C0"). This sequence change replaces histidine, which is basic and polar, with arginine, which is basic and polar, at codon 149 of the NEB protein (p.His149Arg).